The following is an entry in ClinVar:

ClinVar aggregate classification (germline): Benign/Likely benign. Review status: criteria provided, multiple submitters, no conflicts (2 of 4 stars). 5 submissions from 5 submitters: Benign (4); Likely benign (1). Last evaluated 2026-02-01.

Conditions:
MHC class II deficiency. Also called: Bare lymphocyte syndrome 2; BLS, TYPE II. Identifiers: Orphanet 572, MedGen C5447452, MONDO:0008855.

Allele frequency attached by ClinVar (database versions not stated): gnomAD exomes 0.00192; ExAC 0.00235; 1000 Genomes Project 0.00739; ESP Exome Variant Server 0.00805; gnomAD 0.00817 and 0.00879; 1000 Genomes Project 30x 0.00859; TOPMed 0.00969.
gnomAD v4.1: 2,410 of 1,611,864 alleles (0.15%); highest among the groups gnomAD compares: African/African-American, 2.8%; 39 homozygotes.

Submissions (5):

Labcorp Genetics (formerly Invitae), Labcorp
Classification: Benign for MHC class II deficiency. Last evaluated: 2026-02-01. Review status: criteria provided, single submitter. Criteria: Invitae Variant Classification Sherloc (09022015). Collection method: clinical testing. Allele origin: germline.

Women's Health and Genetics/Laboratory Corporation of America, LabCorp
Classification: Likely benign. Last evaluated: 2026-01-23. Review status: criteria provided, single submitter. Criteria: LabCorp Variant Classification Summary - May 2015. Collection method: clinical testing. Allele origin: germline.

Genome-Nilou Lab
Classification: Benign for MHC class II deficiency 1. Last evaluated: 2023-04-11. Review status: criteria provided, single submitter. Criteria: ACMG Guidelines, 2015. Collection method: clinical testing. Allele origin: germline. Affected: no.

Illumina Laboratory Services, Illumina
Classification: Benign for MHC class II deficiency 1. Last evaluated: 2018-01-13. Review status: criteria provided, single submitter. Criteria: ICSL Variant Classification Criteria 13 December 2019. Collection method: clinical testing. Allele origin: germline.
Comment: This variant was observed in the ICSL laboratory as part of a predisposition screen in an ostensibly healthy population. It had not been previously curated by ICSL or reported in the Human Gene Mutation Database (HGMD: prior to June 1st, 2018), and was therefore a candidate for classification through an automated scoring system. Utilizing variant allele frequency, disease prevalence and penetrance estimates, and inheritance mode, an automated score was calculated to assess if this variant is too frequent to cause the disease. Based on the score and internal cut-off values, a variant classified as benign is not then subjected to further curation. The score for this variant resulted in a classification of benign for this disease.

Breakthrough Genomics
Classification: Benign. Review status: criteria provided, single submitter. Criteria: ACMG Guidelines, 2015. Collection method: not provided. Allele origin: germline. Inheritance: Autosomal recessive inheritance. Affected: yes.

NM_001025603.2(RFX5):c.900C>T (p.Leu300=)

Gene: RFX5 (regulatory factor X5; minus strand). Cytogenetic location: 1q21.3.
Variant type: single nucleotide variant.
Coding change: c.900C>T on transcript NM_001025603.2 (MANE Select); coding-DNA position 900, C replaced by T.
Protein change: p.Leu300=; no amino-acid change (leucine 300 retained).
Molecular consequence: synonymous variant.
Genome position (GRCh38, 1-based): chr1:151,343,137, G>A on the plus strand (C>T on the coding strand, the complement: RFX5 is on the minus strand). VCF-style: chr1-151343137-G-A. GRCh37 (hg19) VCF-style: chr1-151315613-G-A.
Other names: c.900C>T, p.Leu300= (NM_000449.4, NM_001379412.1, NM_001379413.1 and 5 more transcripts); c.780C>T, p.Leu260= (NM_001379419.1, NM_001379420.1).
Identifiers: ClinVar variation 471258 (VCV000471258.18), dbSNP rs2233853, ClinGen allele CA1089711.
Genomic context (GRCh38, chr1:151,343,137, plus strand): 5'-CAGGTTATTGGCTCCTGGGGCCGAGCTCTCAACTACACTCTTCTTCCGCTCTCCACGTGC[G>A]AGAGGACCGGCCCCAGTTCGGGCTTCCAGATCCTTAGGAGGCTAAAAAGTAAAGAGAGGA-3'
Protein context (NP_001020774.1, residues 290-310): DLEARTGAGP[Leu300=]ARGERKKSVV